The following is an entry in ClinVar:

NM_181552.4(CUX1):c.1076+4A>C

Gene: CUX1 (cut like homeobox 1; plus strand). Cytogenetic location: 7q22.1.
Variant type: single nucleotide variant.
Coding change: c.1076+4A>C on transcript NM_181552.4 (MANE Select); 4 bases into the intron after coding-DNA position 1076, A replaced by C.
Molecular consequence: intron variant.
Genome position (GRCh38, 1-based): chr7:102,189,875, A>C. VCF-style: chr7-102189875-A-C. GRCh37 (hg19) VCF-style: chr7-101833155-A-C.
Other names: c.1109+4A>C (NM_001913.5, NM_001202543.2); c.1103+4A>C (NM_181500.4); c.971+4A>C (NM_001202545.3); c.1061+4A>C (NM_001202544.3); c.992+4A>C (NM_001202546.3).
Identifiers: ClinVar variation 3391535 (VCV003391535.2).

ClinVar aggregate classification (germline): Uncertain significance (1 of 4 stars; one submission).

Submission:

GeneDx
Classification: Uncertain significance. Last evaluated: 2025-06-10. Review status: criteria provided, single submitter. Criteria: GeneDx Variant Classification Process June 2021. Collection method: clinical testing. Allele origin: germline.
Comment: Not observed at significant frequency in large population cohorts (gnomAD); In silico analysis suggests this variant may impact gene splicing. In the absence of RNA/functional studies, the actual effect of this sequence change is unknown.; Has not been previously published as pathogenic or benign to our knowledge